The following is an entry in ClinVar:

ClinVar aggregate classification (germline): Uncertain significance (1 of 4 stars; one submission).

Submission:

Labcorp Genetics (formerly Invitae), Labcorp
Classification: Uncertain significance. Last evaluated: 2024-02-22. Review status: criteria provided, single submitter. Criteria: Invitae Variant Classification Sherloc (09022015). Collection method: clinical testing. Allele origin: germline.
Comment: This sequence change creates a premature translational stop signal (p.Ala418Glyfs*49) in the GABRA2 gene. While this is not anticipated to result in nonsense mediated decay, it is expected to disrupt the last 94 amino acid(s) of the GABRA2 protein. This variant is not present in population databases (gnomAD no frequency). This variant has not been reported in the literature in individuals affected with GABRA2-related conditions. In summary, the available evidence is currently insufficient to determine the role of this variant in disease. Therefore, it has been classified as a Variant of Uncertain Significance.

NM_000807.4(GABRA2):c.1072dup (p.Ala358fs)

Gene: GABRA2 (gamma-aminobutyric acid type A receptor subunit alpha2; minus strand). Cytogenetic location: 4p12.
Variant type: Duplication.
Coding change: c.1072dup on transcript NM_000807.4 (MANE Select); coding-DNA position 1072, one base duplicated (G; older notation c.1072dupG).
Protein change: p.Ala358fs; shifts the reading frame from alanine 358.
Molecular consequence: frameshift variant.
Genome position (GRCh38, 1-based): chr4:46,250,592, C duplicated on the plus strand (G on the coding strand, the reverse complement: GABRA2 is on the minus strand); the first of 2 consecutive C bases (chr4:46,250,592-46,250,593); duplicating either gives the same sequence. VCF-style (leftmost placement, unchanged base first): chr4-46250591-G-GC. GRCh37 (hg19) VCF-style: chr4-46252608-G-GC.
Other names: c.1072dup, p.Ala358fs (NM_001114175.3, NM_001377146.1, NM_001377147.1 and 4 more transcripts); c.1087dup, p.Ala363fs (NM_001286827.3); c.1252dup, p.Ala418fs (NM_001330690.2, NM_001377144.1, NM_001377145.1); c.907dup, p.Ala303fs (NM_001377152.1, NM_001377153.1, NM_001377154.1); short protein forms A363fs, A418fs, A303fs, A358fs.
Identifiers: ClinVar variation 3642405 (VCV003642405.2).
Genomic context (GRCh38, chr4:46,250,591, plus strand): 5'-AGATTCGGGGCATAATTGGCAACAGCCACTGCATAAGCGTTGTTCTGTATCATAACGGAA[G>GC]CCTTTTCTTTTTTCTATTGAAAAATACAAAAATTAACAGAGTGTGGGTTGAGTCTGCTAC-3'